The following is an entry in ClinVar:

NM_002160.4(TNC):c.2607C>T (p.Tyr869=)

Gene: TNC (tenascin C; minus strand). Cytogenetic location: 9q33.1.
Variant type: single nucleotide variant.
Coding change: c.2607C>T on transcript NM_002160.4 (MANE Select); coding-DNA position 2607, C replaced by T.
Protein change: p.Tyr869=; no amino-acid change (tyrosine 869 retained).
Molecular consequence: synonymous variant.
Genome position (GRCh38, 1-based): chr9:115,078,010, G>A on the plus strand (C>T on the coding strand, the complement: TNC is on the minus strand). VCF-style: chr9-115078010-G-A. GRCh37 (hg19) VCF-style: chr9-117840289-G-A.
Other names: c.2607C>T, p.Tyr869= (NM_001410991.1).
Identifiers: ClinVar variation 3049502 (VCV003049502.2), dbSNP rs143668894, ClinGen allele CA5208479.
Genomic context (GRCh38, chr9:115,078,010, plus strand): 5'-GAAGGTCTCTTTGGCTGGGTTGCTTGACATGTCACCTCTGCGGGAGATGAGGGACACCTC[G>A]TACTCAGTGTCAGGCTTCAGGTTCCCGATGGAGTACTGGTTCTCGTCCTCTGTGAGATCG-3'
Protein context (NP_002151.2, residues 859-879): SIGNLKPDTE[Tyr869=]EVSLISRRGD

ClinVar aggregate classification (germline): Likely benign (0 of 4 stars; one submission).

Conditions:
TNC-related disorder. Also called: TNC-related condition.

Allele frequency attached by ClinVar (database versions not stated): ExAC 0.00008; ESP Exome Variant Server 0.00008; gnomAD 0.00009; gnomAD exomes 0.00009; TOPMed 0.00012.
gnomAD v4.1: 142 of 1,614,112 alleles (0.0088%); highest among the groups gnomAD compares: African/African-American, 0.021%; no homozygotes.

Submission:

PreventionGenetics, part of Exact Sciences
Classification: Likely benign for TNC-related condition. Last evaluated: 2019-07-12. Review status: no assertion criteria provided. Collection method: clinical testing. Allele origin: germline.
Comment: This variant is classified as likely benign based on ACMG/AMP sequence variant interpretation guidelines (Richards et al. 2015 PMID: 25741868, with internal and published modifications).